The following is an entry in ClinVar:

NM_000276.4(OCRL):c.29A>T (p.Gln10Leu)

Genes: OCRL (OCRL inositol polyphosphate-5-phosphatase; plus strand), LOC113875008 (Sharpr-MPRA regulatory region 13828; plus strand). Cytogenetic location: Xq26.1.
Variant type: single nucleotide variant.
Coding change: c.29A>T on transcript NM_000276.4 (MANE Select); coding-DNA position 29, A replaced by T.
Protein change: p.Gln10Leu; replaces glutamine 10 with leucine.
Molecular consequence: missense variant.
Genome position (GRCh38, 1-based): chrX:129,540,468, A>T. VCF-style: chrX-129540468-A-T. GRCh37 (hg19) VCF-style: chrX-128674445-A-T.
Other names: c.29A>T (NM_000276.3); c.29A>T, p.Gln10Leu (NM_001318784.2, NM_001587.4); short protein forms Q10L.
Identifiers: ClinVar variation 2899002 (VCV002899002.4), dbSNP rs924766896, ClinGen allele CA335075262.

ClinVar aggregate classification (germline): Uncertain significance. Review status: criteria provided, multiple submitters, no conflicts (2 of 4 stars). 2 submissions from 2 submitters: Uncertain significance (2). Last evaluated 2025-12-08.

Conditions:
Nephrolithiasis/nephrocalcinosis. Identifiers: MedGen CN580796.
Lowe syndrome (OCRL). Also called: LOWE OCULOCEREBRORENAL SYNDROME; PHOSPHATIDYLINOSITOL 4,5-BISPHOSPHATE 5-PHOSPHATASE DEFICIENCY; Oculocerebrorenal Syndrome. Identifiers: Orphanet 534, MedGen C0028860, MONDO:0010645, OMIM 309000.

Submissions (2):

Ambry Genetics
Classification: Uncertain significance for Nephrolithiasis/nephrocalcinosis. Last evaluated: 2025-12-08. Review status: criteria provided, single submitter. Criteria: Ambry Variant Classification Scheme 2023. Collection method: clinical testing. Allele origin: germline.

Labcorp Genetics (formerly Invitae), Labcorp
Classification: Uncertain significance for Lowe syndrome. Last evaluated: 2023-12-22. Review status: criteria provided, single submitter. Criteria: Invitae Variant Classification Sherloc (09022015). Collection method: clinical testing. Allele origin: germline.
Comment: This sequence change replaces glutamine, which is neutral and polar, with leucine, which is neutral and non-polar, at codon 10 of the OCRL protein (p.Gln10Leu). This variant is not present in population databases (gnomAD no frequency). This variant has not been reported in the literature in individuals affected with OCRL-related conditions. Advanced modeling of protein sequence and biophysical properties (such as structural, functional, and spatial information, amino acid conservation, physicochemical variation, residue mobility, and thermodynamic stability) performed at Invitae indicates that this missense variant is not expected to disrupt OCRL protein function with a negative predictive value of 95%. In summary, the available evidence is currently insufficient to determine the role of this variant in disease. Therefore, it has been classified as a Variant of Uncertain Significance.